The following is an entry in ClinVar:

NM_000091.5(COL4A3):c.4382C>T (p.Pro1461Leu)

Genes: COL4A3 (collagen type IV alpha 3 chain; plus strand), MFF-DT (MFF divergent transcript; minus strand). Cytogenetic location: 2q36.3.
Variant type: single nucleotide variant.
Coding change: c.4382C>T on transcript NM_000091.5 (MANE Select); coding-DNA position 4382, C replaced by T.
Protein change: p.Pro1461Leu; replaces proline 1461 with leucine.
Molecular consequence: missense variant.
Genome position (GRCh38, 1-based): chr2:227,307,839, C>T. VCF-style: chr2-227307839-C-T. GRCh37 (hg19) VCF-style: chr2-228172555-C-T.
Other names: short protein forms P1461L.
Identifiers: ClinVar variation 224787 (VCV000224787.4), dbSNP rs760462252, ClinGen allele CA2147525.
Genomic context (GRCh38, chr2:227,307,839, plus strand): 5'-GGACAACGAGAGGCTTTGTCTTCACCCGACACAGTCAAACCACAGCAATTCCTTCATGTC[C>T]AGAGGGGACAGTGCCACTCTACAGTGGGTTTTCTTTTCTTTTTGTACAAGGAAATCAACG-3'
Protein context (NP_000082.2, residues 1451-1471): HSQTTAIPSC[Pro1461Leu]EGTVPLYSGF

ClinVar aggregate classification (germline): Conflicting classifications of pathogenicity. Review status: criteria provided, conflicting classifications (1 of 4 stars). 4 submissions from 4 submitters: Pathogenic (1); Uncertain significance (3). Last evaluated 2025-09-15.

Conditions:
Alport syndrome. Also called: Hemorrhagic familial nephritis; Hemorrhagic hereditary nephritis; Congenital hereditary hematuria. Identifiers: Orphanet 63, MedGen C1567741, MONDO:0018965.
Autosomal dominant Alport syndrome (ATS3A). Also called: ALPORT SYNDROME 3A, AUTOSOMAL DOMINANT; Alport syndrome dominant type; Renal failure and sensorineural hearing loss. Identifiers: Orphanet 63, Orphanet 88918, MedGen C5882663, MONDO:0007086, OMIM 104200.

Allele frequency attached by ClinVar (database versions not stated): gnomAD 0.00001; ExAC 0.00002; gnomAD exomes 0.00002 and 0.00005; TOPMed 0.00003.
gnomAD v4.1: 73 of 1,613,982 alleles (0.0045%); highest among the groups gnomAD compares: Non-Finnish European, 0.006%; no homozygotes.

Submissions (4):

Myriad Genetics, Inc.
Classification: Uncertain significance for Alport syndrome. Last evaluated: 2025-09-15. Review status: criteria provided, single submitter. Criteria: Myriad Autosomal Dominant, Autosomal Recessive and X-Linked Classification Criteria (2023). Collection method: clinical testing. Allele origin: unknown.
Comment: NM_000091.4(COL4A3):c.4382C>T(P1461L) is a missense variant classified as a variant of uncertain significance in the context of Alport syndrome, COL4A3-related. P1461L has been observed in cases with relevant disease (PMID: 39810285, 29089023). Relevant functional assessments of this variant are not available in the literature. P1461L has been observed in referenced population frequency databases. In summary, there is insufficient evidence to classify NM_000091.4(COL4A3):c.4382C>T(P1461L) as pathogenic or benign. Please note: this variant was assessed in the context of healthy population screening.

Labcorp Genetics (formerly Invitae), Labcorp
Classification: Uncertain significance. Last evaluated: 2025-07-30. Review status: criteria provided, single submitter. Criteria: Invitae Variant Classification Sherloc (09022015). Collection method: clinical testing. Allele origin: germline.
Comment: This sequence change replaces proline, which is neutral and non-polar, with leucine, which is neutral and non-polar, at codon 1461 of the COL4A3 protein (p.Pro1461Leu). This variant is present in population databases (rs760462252, gnomAD 0.004%). This missense change has been observed in individual(s) with Alport syndrome (PMID: 29089023). ClinVar contains an entry for this variant (Variation ID: 224787). Invitae Evidence Modeling of protein sequence and biophysical properties (such as structural, functional, and spatial information, amino acid conservation, physicochemical variation, residue mobility, and thermodynamic stability) indicates that this missense variant is expected to disrupt COL4A3 protein function with a positive predictive value of 80%. In summary, the available evidence is currently insufficient to determine the role of this variant in disease. Therefore, it has been classified as a Variant of Uncertain Significance.

GeneDx
Classification: Uncertain significance. Last evaluated: 2024-03-06. Review status: criteria provided, single submitter. Criteria: GeneDx Variant Classification Process June 2021. Collection method: clinical testing. Allele origin: germline. Affected: yes.
Comment: Reported with a second variant on the opposite allele (in trans) in a patient with Alport syndrome in published literature; of note, this variant was inherited from the patient's unaffected mother while the other variant was inherited from the patient's father with a similar clinical presentation of hearing loss, proteinuria, and hematuria (PMID: 29089023); Not observed at significant frequency in large population cohorts (gnomAD); In silico analysis supports that this missense variant has a deleterious effect on protein structure/function; This variant is associated with the following publications: (PMID: 29089023)

Fundacion Rioja Salud, Center for Biomedical Research (CIBIR)
Classification: Pathogenic for Autosomal dominant Alport syndrome. Last evaluated: 2016-03-18. Review status: criteria provided, single submitter. Criteria: ACMG Guidelines, 2015. Collection method: research. Allele origin: inherited. Affected: no.

Literature cited by the submitters: PubMed 29089023 (cited by Myriad Genetics, Inc. and Labcorp Genetics (formerly Invitae), Labcorp); PubMed 39810285 (cited by Myriad Genetics, Inc.).